The following is an entry in ClinVar:

NM_000059.4(BRCA2):c.4292_4296dup (p.Gly1433fs)

Gene: BRCA2 (BRCA2 DNA repair associated; plus strand). Cytogenetic location: 13q13.1.
Variant type: Duplication.
Coding change: c.4292_4296dup on transcript NM_000059.4 (MANE Select); coding-DNA positions 4292 to 4296, 5 bases duplicated (CAAGT; older notation c.4292_4296dupCAAGT).
Protein change: p.Gly1433fs; shifts the reading frame from glycine 1433.
Molecular consequence: frameshift variant. On other transcripts: non-coding transcript variant (1), intron variant (2).
Genome position (GRCh38, 1-based): chr13:32,338,647-32,338,651, CAAGT duplicated. VCF-style (leftmost placement, unchanged base first): chr13-32338646-G-GCAAGT. GRCh37 (hg19) VCF-style: chr13-32912783-G-GCAAGT.
Other names: c.4292_4296dup, p.Gly1433fs (NM_001406719.1, NM_001406720.1, NM_001432077.1); c.1909+5260_1909+5264dup (NM_001406721.1); c.425-5911_425-5907dup (NM_001406722.1); short protein forms G1433fs.
Identifiers: ClinVar variation 5019134 (VCV005019134.2).

ClinVar aggregate classification (germline): Pathogenic (1 of 4 stars; one submission).

Conditions:
Breast-ovarian cancer, familial, susceptibility to, 2 (BROVCA2). Also called: BRCA2 Hereditary Breast and Ovarian Cancer. Identifiers: Orphanet 145, MedGen C2675520, MONDO:0012933, OMIM 612555. Disease mechanism: loss of function.

Submission:

Juno Genomics, Hangzhou Juno Genomics, Inc
Classification: Pathogenic for Breast-ovarian cancer, familial, susceptibility to, 2. Review status: criteria provided, single submitter. Criteria: ACMG Guidelines, 2015. Collection method: clinical testing. Allele origin: germline.
Comment: Absent from controls (or at extremely low frequency if recessive) in Genome Aggregation Database.;Null variant in a gene where loss of function (LOF) is a known mechanism of disease.;Novel missense change at an amino acid residue where a different missense change determined to be pathogenic has been seen before.